The following is an entry in ClinVar:

NM_031935.3(HMCN1):c.16615G>A (p.Val5539Ile)

Gene: HMCN1 (hemicentin 1; plus strand). Cytogenetic location: 1q31.1.
Variant type: single nucleotide variant.
Coding change: c.16615G>A on transcript NM_031935.3 (MANE Select); coding-DNA position 16615, G replaced by A.
Protein change: p.Val5539Ile; replaces valine 5539 with isoleucine.
Molecular consequence: missense variant.
Genome position (GRCh38, 1-based): chr1:186,189,585, G>A. VCF-style: chr1-186189585-G-A. GRCh37 (hg19) VCF-style: chr1-186158717-G-A.
Other names: c.16615G>A (NM_031935.2); short protein forms V5539I.
Identifiers: ClinVar variation 1937828 (VCV001937828.6), dbSNP rs143725173, ClinGen allele CA1295618.

ClinVar aggregate classification (germline): Uncertain significance. Review status: criteria provided, multiple submitters, no conflicts (2 of 4 stars). 2 submissions from 2 submitters: Uncertain significance (2). Last evaluated 2026-01-06.

Allele frequency attached by ClinVar (database versions not stated): gnomAD 0.00004; ExAC 0.00008; ESP Exome Variant Server 0.00015; 1000 Genomes Project 30x 0.00031; 1000 Genomes Project 0.00040.
gnomAD v4.1: 23 of 1,613,608 alleles (0.0014%); highest among the groups gnomAD compares: East Asian, 0.0089%; 1 homozygote.

Submissions (2):

Labcorp Genetics (formerly Invitae), Labcorp
Classification: Uncertain significance. Last evaluated: 2026-01-06. Review status: criteria provided, single submitter. Criteria: Invitae Variant Classification Sherloc (09022015). Collection method: clinical testing. Allele origin: germline.
Comment: This sequence change replaces valine, which is neutral and non-polar, with isoleucine, which is neutral and non-polar, at codon 5539 of the HMCN1 protein (p.Val5539Ile). This variant is present in population databases (rs143725173, gnomAD 0.03%). This variant has not been reported in the literature in individuals affected with HMCN1-related conditions. ClinVar contains an entry for this variant (Variation ID: 1937828). An algorithm developed to predict the effect of missense changes on protein structure and function outputs the following: PolyPhen-2: "Benign". The isoleucine amino acid residue is found in multiple mammalian species, which suggests that this missense change does not adversely affect protein function. In summary, the available evidence is currently insufficient to determine the role of this variant in disease. Therefore, it has been classified as a Variant of Uncertain Significance.

Ambry Genetics
Classification: Uncertain significance. Last evaluated: 2025-08-13. Review status: criteria provided, single submitter. Criteria: Ambry Variant Classification Scheme 2023. Collection method: clinical testing. Allele origin: germline.